The following is an entry in ClinVar:

NM_004304.5(ALK):c.1690G>C (p.Val564Leu)

Gene: ALK (ALK receptor tyrosine kinase; minus strand). Cytogenetic location: 2p23.2.
Variant type: single nucleotide variant.
Coding change: c.1690G>C on transcript NM_004304.5 (MANE Select); coding-DNA position 1690, G replaced by C.
Protein change: p.Val564Leu; replaces valine 564 with leucine.
Molecular consequence: missense variant.
Genome position (GRCh38, 1-based): chr2:29,297,015, C>G on the plus strand (G>C on the coding strand, the complement: ALK is on the minus strand). VCF-style: chr2-29297015-C-G. GRCh37 (hg19) VCF-style: chr2-29519881-C-G.
Other names: short protein forms V564L.
Identifiers: ClinVar variation 1006113 (VCV001006113.12), dbSNP rs780939762, ClinGen allele CA346466515.

ClinVar aggregate classification (germline): Uncertain significance. Review status: criteria provided, multiple submitters, no conflicts (2 of 4 stars). 2 submissions from 2 submitters: Uncertain significance (2). Last evaluated 2025-05-19.

Conditions:
Neuroblastoma, susceptibility to, 3. Also called: ALK-Related Neuroblastic Tumor Susceptibility. Identifiers: Orphanet 635, MedGen C2751681, MONDO:0013083, OMIM 613014.
Hereditary cancer-predisposing syndrome. Also called: Hereditary neoplastic syndrome; Neoplastic Syndromes, Hereditary; Tumor predisposition; Hereditary Cancer Syndrome. Identifiers: Orphanet 140162, MedGen C0027672, MeSH D009386, MONDO:0015356.

gnomAD v4.1: 1 of 1,614,200 alleles (0.000062%); highest among the groups gnomAD compares: Non-Finnish European, 0.000085%; no homozygotes.

Submissions (2):

Ambry Genetics
Classification: Uncertain significance for Hereditary cancer-predisposing syndrome. Last evaluated: 2025-05-19. Review status: criteria provided, single submitter. Criteria: Ambry Variant Classification Scheme 2023. Collection method: clinical testing. Allele origin: germline.
Comment: The p.V564L variant (also known as c.1690G>C), located in coding exon 9 of the ALK gene, results from a G to C substitution at nucleotide position 1690. The valine at codon 564 is replaced by leucine, an amino acid with highly similar properties. This amino acid position is conserved. In addition, this alteration is predicted to be tolerated by in silico analysis. Since supporting evidence is limited at this time, the clinical significance of this alteration remains unclear.

Labcorp Genetics (formerly Invitae), Labcorp
Classification: Uncertain significance for Neuroblastoma, susceptibility to, 3. Last evaluated: 2024-08-21. Review status: criteria provided, single submitter. Criteria: Invitae Variant Classification Sherloc (09022015). Collection method: clinical testing. Allele origin: germline.
Comment: This sequence change replaces valine, which is neutral and non-polar, with leucine, which is neutral and non-polar, at codon 564 of the ALK protein (p.Val564Leu). This variant is present in population databases (no rsID available, gnomAD 0.0009%). This variant has not been reported in the literature in individuals affected with ALK-related conditions. ClinVar contains an entry for this variant (Variation ID: 1006113). An algorithm developed to predict the effect of missense changes on protein structure and function outputs the following: PolyPhen-2: "Benign". The leucine amino acid residue is found in multiple mammalian species, which suggests that this missense change does not adversely affect protein function. In summary, the available evidence is currently insufficient to determine the role of this variant in disease. Therefore, it has been classified as a Variant of Uncertain Significance.